The following is an entry in ClinVar:

NM_000018.4(ACADVL):c.278-1G>A

Gene: ACADVL (acyl-CoA dehydrogenase very long chain; plus strand). Cytogenetic location: 17p13.1.
Variant type: single nucleotide variant.
Coding change: c.278-1G>A on transcript NM_000018.4 (MANE Select); the canonical splice acceptor site of the intron before coding-DNA position 278, G replaced by A.
Molecular consequence: splice acceptor variant.
Genome position (GRCh38, 1-based): chr17:7,220,765, G>A. VCF-style: chr17-7220765-G-A. GRCh37 (hg19) VCF-style: chr17-7124084-G-A.
Other names: c.347-1G>A (NM_001270447.2); c.50-1G>A (NM_001270448.2); c.212-1G>A (NM_001033859.3).
Identifiers: ClinVar variation 932734 (VCV000932734.10), dbSNP rs1298004609, ClinGen allele CA397722486.
Genomic context (GRCh38, chr17:7,220,765, plus strand): 5'-GGGGCCAGGGTGGTTTCCCCTGCCAGCCTGGCCTGACCAGCCTGTCCCCCACCCTCTGCA[G>A]TGCTCAACGAAGAGCAGACACAGTTTCTTAAAGAGCTGGTGGAGCCTGTGTCCCGTTTCT-3'

ClinVar aggregate classification (germline): Likely pathogenic. Review status: reviewed by expert panel (3 of 4 stars). 3 submissions from 3 submitters: Likely pathogenic (1). 2 of the submissions do not count toward it. Last evaluated 2022-03-08.

Conditions:
Very long chain acyl-CoA dehydrogenase deficiency (ACADVLD). Also called: Very Long-Chain Acyl-Coenzyme A Dehydrogenase Deficiency; VLCAD Deficiency. Identifiers: Orphanet 26793, MedGen C3887523, MONDO:0008723, OMIM 201475.

Allele frequency attached by ClinVar (database versions not stated): gnomAD exomes below 0.00001.
gnomAD v4.1: 2 of 1,614,178 alleles (0.00012%); highest among the groups gnomAD compares: Non-Finnish European, 0.00017%; no homozygotes.

Submissions (3):

ClinGen ACADVL Variant Curation Expert Panel, ClinGen
Classification: Likely pathogenic for Very long chain acyl-CoA dehydrogenase deficiency. Last evaluated: 2022-03-08. Review status: reviewed by expert panel. Criteria: clingen acadvl acmg specifications v1. Collection method: curation. Allele origin: germline. Inheritance: Autosomal recessive inheritance.
Comment: The c.278-1G>A variant in ACADVL occurs within the canonical splice acceptor site (- 1) of intron 4. It is predicted to cause skipping of biologically-relevant-exon 5/20, resulting in a frameshift leading to nonsense mediated decay in a gene in which loss-of-function is an established disease mechanism (PVS1; PMIDs: 9973285, 11590124). The variant has been identified in at least one individual identified by newborn screen or classified as presumptive newborn screen positive for very long chain acyl CoA dehydrogenase (VLCAD) deficiency without evidence or assertion of NBS C14:1 levels, follow-up plasma acylcarnitine levels or reduced enzyme activity; this variant was reported as two alleles with no indication of zygosity (PMID 263853). The highest population minor allele frequency in gnomAD v2.1.1 is 0.000008791 in European (non-Finnish) population, which is lower than the ClinGen ACADVL Variant Curation Expert Panel threshold (<0.001) for PM2_Supporting, meeting this criterion (PM2_Supporting). To our knowledge, functional assays have not been reported for this variant. In summary, this variant meets the criteria to be classified as LIKELY PATHOGENIC for autosomal recessive very long chain acyl-CoA dehydrogenase (VLCAD) deficiency based on the ACMG/AMP criteria applied, as specified by the ClinGen ACADVL Variant Curation Expert Panel: PVS1, PM2_Supporting (ACADVL Variant Curation Expert Panel VCEP v2.0; date of approval 2022-02-07).

Labcorp Genetics (formerly Invitae), Labcorp
Classification: Likely pathogenic for Very long chain acyl-CoA dehydrogenase deficiency. Last evaluated: 2023-12-15. Review status: criteria provided, single submitter. Criteria: Invitae Variant Classification Sherloc (09022015). Collection method: clinical testing. Allele origin: germline. Not counted in ClinVar's aggregate classification.
Comment: This sequence change affects an acceptor splice site in intron 4 of the ACADVL gene. It is expected to disrupt RNA splicing. Variants that disrupt the donor or acceptor splice site typically lead to a loss of protein function (PMID: 16199547), and loss-of-function variants in ACADVL are known to be pathogenic (PMID: 9973285, 11590124). This variant is present in population databases (no rsID available, gnomAD 0.0009%). Disruption of this splice site has been observed in individual(s) with abnormal newborn screening results (PMID: 26385305). ClinVar contains an entry for this variant (Variation ID: 932734). Algorithms developed to predict the effect of sequence changes on RNA splicing suggest that this variant may disrupt the consensus splice site. In summary, the currently available evidence indicates that the variant is pathogenic, but additional data are needed to prove that conclusively. Therefore, this variant has been classified as Likely Pathogenic.

Wong Mito Lab, Molecular and Human Genetics, Baylor College of Medicine
Classification: Pathogenic for Very long chain acyl-CoA dehydrogenase deficiency. Last evaluated: 2019-11-01. Review status: criteria provided, single submitter. Criteria: ACMG Guidelines, 2015. Collection method: clinical testing. Allele origin: germline. Not counted in ClinVar's aggregate classification.
Comment: The NM_000018.3:c.278-1G>A (NP_000009.1:p.?) [GRCH38: NC_000017.11:g.7220765G>A] variant in ACADVL gene is interpretated to be Pathogenic based on ACMG guidelines (PMID: 25741868). This variant has been reported. This variant meets the following evidence codes reported in the ACMG guidelines: PVS1, PS3

Literature cited by the submitters: PubMed 16199547 (cited by Labcorp Genetics (formerly Invitae), Labcorp); PubMed 9973285 (cited by Labcorp Genetics (formerly Invitae), Labcorp); PubMed 11590124 (cited by Labcorp Genetics (formerly Invitae), Labcorp); PubMed 26385305 (cited by Labcorp Genetics (formerly Invitae), Labcorp).